The following is an entry in ClinVar:

NM_000718.4(CACNA1B):c.4323C>G (p.Asp1441Glu)

Gene: CACNA1B (calcium voltage-gated channel subunit alpha1 B; plus strand). Cytogenetic location: 9q34.3.
Variant type: single nucleotide variant.
Coding change: c.4323C>G on transcript NM_000718.4 (MANE Select); coding-DNA position 4323, C replaced by G.
Protein change: p.Asp1441Glu; replaces aspartic acid 1441 with glutamic acid.
Molecular consequence: missense variant.
Genome position (GRCh38, 1-based): chr9:138,058,583, C>G. VCF-style: chr9-138058583-C-G. GRCh37 (hg19) VCF-style: chr9-140953035-C-G.
Other names: c.4323C>G, p.Asp1441Glu (NM_001243812.2); short protein forms D1441E.
Identifiers: ClinVar variation 1715743 (VCV001715743.5), dbSNP rs779375112, ClinGen allele CA5376964.

ClinVar aggregate classification (germline): Uncertain significance (1 of 4 stars; one submission).

Allele frequency attached by ClinVar (database versions not stated): ExAC 0.00001; gnomAD exomes 0.00001.
gnomAD v4.1: 7 of 1,611,294 alleles (0.00043%); highest among the groups gnomAD compares: South Asian, 0.0022%; no homozygotes.

Submission:

Labcorp Genetics (formerly Invitae), Labcorp
Classification: Uncertain significance. Last evaluated: 2022-08-08. Review status: criteria provided, single submitter. Criteria: Invitae Variant Classification Sherloc (09022015). Collection method: clinical testing. Allele origin: germline.
Comment: This variant has not been reported in the literature in individuals affected with CACNA1B-related conditions. In summary, the available evidence is currently insufficient to determine the role of this variant in disease. Therefore, it has been classified as a Variant of Uncertain Significance. Advanced modeling of protein sequence and biophysical properties (such as structural, functional, and spatial information, amino acid conservation, physicochemical variation, residue mobility, and thermodynamic stability) performed at Invitae indicates that this missense variant is not expected to disrupt CACNA1B protein function. This variant is present in population databases (rs779375112, gnomAD 0.003%). This sequence change replaces aspartic acid, which is acidic and polar, with glutamic acid, which is acidic and polar, at codon 1441 of the CACNA1B protein (p.Asp1441Glu).